The following is an entry in ClinVar:

ClinVar aggregate classification (germline): Pathogenic (1 of 4 stars; one submission).

Conditions:
Pyruvate carboxylase deficiency. Also called: ATAXIA WITH LACTIC ACIDOSIS II; LEIGH NECROTIZING ENCEPHALOPATHY DUE TO PYRUVATE CARBOXYLASE DEFICIENCY; LEIGH SYNDROME DUE TO PYRUVATE CARBOXYLASE DEFICIENCY; PC DEFICIENCY; Pyruvate Carboxylase Deficiency Disease. Identifiers: Orphanet 3008, MedGen C0034341, MONDO:0009949, OMIM 266150.

Submission:

Myriad Genetics, Inc.
Classification: Pathogenic for Pyruvate carboxylase deficiency. Last evaluated: 2024-01-21. Review status: criteria provided, single submitter. Criteria: Myriad Autosomal Dominant, Autosomal Recessive and X-Linked Classification Criteria (2023). Collection method: clinical testing. Allele origin: unknown.
Comment: NM_000920.3(PC):c.108delC(I37Sfs*28) is expected to be pathogenic in the context of pyruvate carboxylase deficiency. This variant is predicted to lead to an abnormal or absent protein product due to the creation of a premature termination codon in PC, a gene where loss-of-function variants are known to be pathogenic. Please note: this variant was assessed in the context of healthy population screening.

NM_001040716.2(PC):c.108del (p.Ile37fs)

Gene: PC (pyruvate carboxylase; minus strand). Cytogenetic location: 11q13.2.
Variant type: Deletion.
Coding change: c.108del on transcript NM_001040716.2 (MANE Select); coding-DNA position 108, one base deleted (C; older notation c.108delC).
Protein change: p.Ile37fs; shifts the reading frame from isoleucine 37.
Molecular consequence: frameshift variant.
Genome position (GRCh38, 1-based): chr11:66,872,052, G deleted on the plus strand (C on the coding strand, the reverse complement: PC is on the minus strand); the first of 3 consecutive G bases (chr11:66,872,052-66,872,054); deleting any one gives the same sequence. VCF-style (leftmost placement, unchanged base first): chr11-66872051-TG-T. GRCh37 (hg19) VCF-style: chr11-66639522-TG-T.
Other names: c.108del, p.Ile37fs (NM_000920.4, NM_001439352.1, NM_001439353.1 and 5 more transcripts); short protein forms I37fs.
Identifiers: ClinVar variation 5012661 (VCV005012661.1).